The following is an entry in ClinVar:

NM_000080.4(CHRNE):c.46+4_46+8del

Genes: C17orf107 (chromosome 17 open reading frame 107; plus strand), CHRNE (cholinergic receptor nicotinic epsilon subunit; minus strand). Cytogenetic location: 17p13.2.
Variant type: Deletion.
Coding change: c.46+4_46+8del on transcript NM_000080.4 (MANE Select); bases 4 to 8 of the intron after coding-DNA position 46, 5 bases deleted (CGGAC; older notation c.46+4_46+8delCGGAC).
Molecular consequence: intron variant.
Genome position (GRCh38, 1-based): chr17:4,903,010-4,903,014, GTCCG deleted on the plus strand (CGGAC on the coding strand, the reverse complement: CHRNE is on the minus strand). VCF-style (leftmost placement, unchanged base first): chr17-4903009-TGTCCG-T. GRCh37 (hg19) VCF-style: chr17-4806304-TGTCCG-T.
Identifiers: ClinVar variation 1038762 (VCV001038762.4), dbSNP rs1388295687, ClinGen allele CA624619918.
Genomic context (GRCh38, chr17:4,903,009, plus strand): 5'-TTTGTCTTCCCAGTCCCTTCATGTCAGTATCTGTGTGTGTCCAATTGCCCCTCTAGCCCC[TGTCCG>T]TACCGAGAAGCCCCAAGAGGAGCAGGACCCCAAGCGGAGCCCTTGCCATCCTGCTGCGTG-3'

ClinVar aggregate classification (germline): Uncertain significance (1 of 4 stars; one submission).

Conditions:
Congenital myasthenic syndrome 4A. Also called: Myasthenic syndrome, congenital, 4a, slow-channel; CONGENITAL MYASTHENIC SYNDROME TYPE Ia1; MYASTHENIC SYNDROME, CONGENITAL, 4A, SLOW-CHANNEL, AUTOSOMAL RECESSIVE. Identifiers: Orphanet 590, MedGen C4225413, MONDO:0011600, OMIM 605809.

Allele frequency attached by ClinVar (database versions not stated): gnomAD exomes below 0.00001; TOPMed below 0.00001; gnomAD 0.00001.

Submission:

Labcorp Genetics (formerly Invitae), Labcorp
Classification: Uncertain significance for Congenital myasthenic syndrome 4A. Last evaluated: 2022-07-25. Review status: criteria provided, single submitter. Criteria: Invitae Variant Classification Sherloc (09022015). Collection method: clinical testing. Allele origin: germline.
Comment: This sequence change falls in intron 1 of the CHRNE gene. It does not directly change the encoded amino acid sequence of the CHRNE protein. It affects a nucleotide within the consensus splice site. This variant is present in population databases (no rsID available, gnomAD 0.007%). This variant has not been reported in the literature in individuals affected with CHRNE-related conditions. ClinVar contains an entry for this variant (Variation ID: 1038762). Variants that disrupt the consensus splice site are a relatively common cause of aberrant splicing (PMID: 17576681, 9536098). Algorithms developed to predict the effect of sequence changes on RNA splicing suggest that this variant is not likely to affect RNA splicing. In summary, the available evidence is currently insufficient to determine the role of this variant in disease. Therefore, it has been classified as a Variant of Uncertain Significance.

Literature cited by the submitters: PubMed 17576681; PubMed 9536098.